The following is an entry in ClinVar:

ClinVar aggregate classification (germline): Uncertain significance (1 of 4 stars; one submission).

Submission:

Labcorp Genetics (formerly Invitae), Labcorp
Classification: Uncertain significance. Last evaluated: 2023-09-19. Review status: criteria provided, single submitter. Criteria: Invitae Variant Classification Sherloc (09022015). Collection method: clinical testing. Allele origin: germline.
Comment: Advanced modeling of protein sequence and biophysical properties (such as structural, functional, and spatial information, amino acid conservation, physicochemical variation, residue mobility, and thermodynamic stability) has been performed at Invitae for this missense variant, however the output from this modeling did not meet the statistical confidence thresholds required to predict the impact of this variant on RP2 protein function. This variant has not been reported in the literature in individuals affected with RP2-related conditions. This variant is not present in population databases (gnomAD no frequency). This sequence change replaces leucine, which is neutral and non-polar, with proline, which is neutral and non-polar, at codon 164 of the RP2 protein (p.Leu164Pro). In summary, the available evidence is currently insufficient to determine the role of this variant in disease. Therefore, it has been classified as a Variant of Uncertain Significance.

NM_006915.3(RP2):c.491T>C (p.Leu164Pro)

Gene: RP2 (RP2 activator of ARL3 GTPase; plus strand). Cytogenetic location: Xp11.3.
Variant type: single nucleotide variant.
Coding change: c.491T>C on transcript NM_006915.3 (MANE Select); coding-DNA position 491, T replaced by C.
Protein change: p.Leu164Pro; replaces leucine 164 with proline.
Molecular consequence: missense variant.
Genome position (GRCh38, 1-based): chrX:46,853,864, T>C. VCF-style: chrX-46853864-T-C. GRCh37 (hg19) VCF-style: chrX-46713299-T-C.
Other names: short protein forms L164P.
Identifiers: ClinVar variation 2761521 (VCV002761521.3), dbSNP rs2519914498, ClinGen allele CA413040052.
Genomic context (GRCh38, chrX:46,853,864, plus strand): 5'-AATTTGGATGTTTTCAATGGTACTATCCTGAATTAGCTTTCCAGTTCAAAGATGCAGGGC[T>C]AAGTATCTTCAACAATACATGGAGTAACATTCATGACTTTACACCTGTGTCAGGAGAACT-3'
Protein context (NP_008846.2, residues 154-174): ELAFQFKDAG[Leu164Pro]SIFNNTWSNI